The following is an entry in ClinVar:

NM_001903.5(CTNNA1):c.196G>C (p.Glu66Gln)

Gene: CTNNA1 (catenin alpha 1; plus strand). Cytogenetic location: 5q31.2.
Variant type: single nucleotide variant.
Coding change: c.196G>C on transcript NM_001903.5 (MANE Select); coding-DNA position 196, G replaced by C.
Protein change: p.Glu66Gln; replaces glutamic acid 66 with glutamine.
Molecular consequence: missense variant. On other transcripts: 5 prime UTR variant (1), intron variant (1).
Genome position (GRCh38, 1-based): chr5:138,783,267, G>C. VCF-style: chr5-138783267-G-C. GRCh37 (hg19) VCF-style: chr5-138118956-G-C.
Other names: c.196G>C, p.Glu66Gln (NM_001290307.3, NM_001323982.2, NM_001323983.1 and 3 more transcripts); c.-11G>C (NM_001290310.3); c.-9+1238G>C (NM_001290309.3); short protein forms E66Q.
Identifiers: ClinVar variation 3663256 (VCV003663256.2).
Genomic context (GRCh38, chr5:138,783,267, plus strand): 5'-GGGCCCTCTAATAAGAAGAGAGGTCGTTCTAAGAAGGCCCATGTTTTGGCTGCATCTGTT[G>C]AACAAGCAACTGAGAATTTCTTGGAGAAGGGGGATAAAATTGCGAAGGAGAGCCAGTTTC-3'
Protein context (NP_001894.2, residues 56-76): KKAHVLAASV[Glu66Gln]QATENFLEKG

ClinVar aggregate classification (germline): Uncertain significance (1 of 4 stars; one submission).

Submission:

Labcorp Genetics (formerly Invitae), Labcorp
Classification: Uncertain significance. Last evaluated: 2024-08-22. Review status: criteria provided, single submitter. Criteria: Invitae Variant Classification Sherloc (09022015). Collection method: clinical testing. Allele origin: germline.
Comment: This sequence change replaces glutamic acid, which is acidic and polar, with glutamine, which is neutral and polar, at codon 66 of the CTNNA1 protein (p.Glu66Gln). This variant is not present in population databases (gnomAD no frequency). This variant has not been reported in the literature in individuals affected with CTNNA1-related conditions. Invitae Evidence Modeling of protein sequence and biophysical properties (such as structural, functional, and spatial information, amino acid conservation, physicochemical variation, residue mobility, and thermodynamic stability) indicates that this missense variant is not expected to disrupt CTNNA1 protein function with a negative predictive value of 80%. In summary, the available evidence is currently insufficient to determine the role of this variant in disease. Therefore, it has been classified as a Variant of Uncertain Significance.